The following is an entry in ClinVar:

NM_002734.5(PRKAR1A):c.322G>A (p.Glu108Lys)

Gene: PRKAR1A (protein kinase cAMP-dependent type I regulatory subunit alpha; plus strand). Cytogenetic location: 17q24.2.
Variant type: single nucleotide variant.
Coding change: c.322G>A on transcript NM_002734.5 (MANE Select); coding-DNA position 322, G replaced by A.
Protein change: p.Glu108Lys; replaces glutamic acid 108 with lysine.
Molecular consequence: missense variant.
Genome position (GRCh38, 1-based): chr17:68,522,900, G>A. VCF-style: chr17-68522900-G-A. GRCh37 (hg19) VCF-style: chr17-66519041-G-A.
Other names: c.322G>A, p.Glu108Lys (NM_001276289.2, NM_001276290.1, NM_001278433.2 and 4 more transcripts); short protein forms E108K.
Identifiers: ClinVar variation 1729171 (VCV001729171.2), dbSNP rs2143275188, ClinGen allele CA400752465.

ClinVar aggregate classification (germline): Uncertain significance (1 of 4 stars; one submission).

Conditions:
Hereditary cancer-predisposing syndrome. Also called: Tumor predisposition; Neoplastic Syndromes, Hereditary; Hereditary Cancer Syndrome; Hereditary neoplastic syndrome. Identifiers: Orphanet 140162, MedGen C0027672, MeSH D009386, MONDO:0015356.

Submission:

Ambry Genetics
Classification: Uncertain significance for Hereditary cancer-predisposing syndrome. Last evaluated: 2022-10-28. Review status: criteria provided, single submitter. Criteria: Ambry Variant Classification Scheme 2023. Collection method: clinical testing. Allele origin: germline.
Comment: The p.E108K variant (also known as c.322G>A), located in coding exon 2 of the PRKAR1A gene, results from a G to A substitution at nucleotide position 322. The glutamic acid at codon 108 is replaced by lysine, an amino acid with similar properties. This amino acid position is conserved. In addition, this alteration is predicted to be deleterious by in silico analysis. Since supporting evidence is limited at this time, the clinical significance of this alteration remains unclear.